The following is an entry in ClinVar:

NM_001844.5(COL2A1):c.3264A>C (p.Arg1088Ser)

Gene: COL2A1 (collagen type II alpha 1 chain; minus strand). Cytogenetic location: 12q13.11.
Variant type: single nucleotide variant.
Coding change: c.3264A>C on transcript NM_001844.5 (MANE Select); coding-DNA position 3264, A replaced by C.
Protein change: p.Arg1088Ser; replaces arginine 1088 with serine.
Molecular consequence: missense variant.
Genome position (GRCh38, 1-based): chr12:47,977,329, T>G on the plus strand (A>C on the coding strand, the complement: COL2A1 is on the minus strand). VCF-style: chr12-47977329-T-G. GRCh37 (hg19) VCF-style: chr12-48371112-T-G.
Other names: c.3057A>C, p.Arg1019Ser (NM_033150.3); short protein forms R1019S, R1088S.
Identifiers: ClinVar variation 3393667 (VCV003393667.2).

ClinVar aggregate classification (germline): Uncertain significance. Review status: criteria provided, multiple submitters, no conflicts (2 of 4 stars). 2 submissions from 2 submitters: Uncertain significance (2). Last evaluated 2024-07-03.

gnomAD v4.1: 1 of 1,613,142 alleles (0.000062%); highest among the groups gnomAD compares: Non-Finnish European, 0.000085%; no homozygotes.

Submissions (2):

GeneDx
Classification: Uncertain significance. Last evaluated: 2024-07-03. Review status: criteria provided, single submitter. Criteria: GeneDx Variant Classification Process June 2021. Collection method: clinical testing. Allele origin: germline. Affected: yes.
Comment: Not observed at significant frequency in large population cohorts (gnomAD); In silico analysis supports that this missense variant has a deleterious effect on protein structure/function; Has not been previously published as pathogenic or benign to our knowledge; Occurs in the triple helical domain at the Y position in the canonical Gly-X-Y repeat; although this variant may have an effect on normal protein folding and function, missense substitution at the Y position is not a common mechanism of disease (HGMD)

Blueprint Genetics
Classification: Uncertain significance. Last evaluated: 2023-02-22. Review status: criteria provided, single submitter. Criteria: ACMG Guidelines, 2015. Collection method: clinical testing. Allele origin: germline.